The following is an entry in ClinVar:

ClinVar aggregate classification (germline): Likely benign. Review status: criteria provided, multiple submitters, no conflicts (2 of 4 stars). 3 submissions from 3 submitters: Likely benign (3). Last evaluated 2025-12-08.

Conditions:
CUBN-related disorder. Also called: CUBN-related condition.
Proteinuria, chronic benign. Identifiers: MedGen C5394384, MONDO:0030042, OMIM 618884.
Imerslund-Grasbeck syndrome type 1 (IGS1). Also called: MEGALOBLASTIC ANEMIA, 1; Imerslund-Gräsbeck syndrome 1; Megaloblastic anemia 1, Finnish type. Identifiers: MedGen C4016819, MONDO:0100156, OMIM 261100.
Imerslund-Grasbeck syndrome. Also called: ENTEROCYTE COBALAMIN MALABSORPTION; ENTEROCYTE INTRINSIC FACTOR RECEPTOR, DEFECT OF; PERNICIOUS ANEMIA, JUVENILE, DUE TO SELECTIVE INTESTINAL MALABSORPTION OF VITAMIN B12, WITH PROTEINURIA; Imerslund-Gräsbeck syndrome; Megaloblastic anemia due to inborn errors of metabolism. Identifiers: Orphanet 35858, MedGen C4551825, MONDO:0009853.

Allele frequency attached by ClinVar (database versions not stated): ExAC 0.00003; gnomAD exomes 0.00004 and 0.00005; gnomAD 0.00017 and 0.00019; TOPMed 0.00021; ESP Exome Variant Server 0.00031.
gnomAD v4.1: 97 of 1,613,970 alleles (0.006%); highest among the groups gnomAD compares: African/African-American, 0.055%; no homozygotes.

Submissions (3):

PreventionGenetics, part of Exact Sciences
Classification: Likely benign for CUBN-related condition. Last evaluated: 2025-12-08. Review status: criteria provided, single submitter. Criteria: ACMG Guidelines, 2015. Collection method: clinical testing. Allele origin: germline.
Comment: This variant is classified as likely benign based on ACMG/AMP sequence variant interpretation guidelines (Richards et al. 2015 PMID: 25741868, with internal and published modifications).

Labcorp Genetics (formerly Invitae), Labcorp
Classification: Likely benign for Imerslund-Grasbeck syndrome. Last evaluated: 2025-06-12. Review status: criteria provided, single submitter. Criteria: Invitae Variant Classification Sherloc (09022015). Collection method: clinical testing. Allele origin: germline.

Fulgent Genetics
Classification: Likely benign for Imerslund-Grasbeck syndrome type 1; Proteinuria, chronic benign. Last evaluated: 2021-10-03. Review status: criteria provided, single submitter. Criteria: ACMG Guidelines, 2015. Collection method: clinical testing. Allele origin: unknown.

NM_001081.4(CUBN):c.10038C>T (p.His3346=)

Gene: CUBN (cubilin; minus strand). Cytogenetic location: 10p13.
Variant type: single nucleotide variant.
Coding change: c.10038C>T on transcript NM_001081.4 (MANE Select); coding-DNA position 10038, C replaced by T.
Protein change: p.His3346=; no amino-acid change (histidine 3346 retained).
Molecular consequence: synonymous variant.
Genome position (GRCh38, 1-based): chr10:16,836,377, G>A on the plus strand (C>T on the coding strand, the complement: CUBN is on the minus strand). VCF-style: chr10-16836377-G-A. GRCh37 (hg19) VCF-style: chr10-16878376-G-A.
Other names: c.10038C>T (NM_001081.3).
Identifiers: ClinVar variation 1614313 (VCV001614313.10), dbSNP rs113079734, ClinGen allele CA5422495.